The following is an entry in ClinVar:

ClinVar aggregate classification (germline): Uncertain significance (1 of 4 stars; one submission).

Submission:

Labcorp Genetics (formerly Invitae), Labcorp
Classification: Uncertain significance. Last evaluated: 2022-12-31. Review status: criteria provided, single submitter. Criteria: Invitae Variant Classification Sherloc (09022015). Collection method: clinical testing. Allele origin: unknown.
Comment: In summary, the available evidence is currently insufficient to determine the role of this variant in disease. Therefore, it has been classified as a Variant of Uncertain Significance. This variant has not been reported in the literature in individuals affected with ITGAM-related conditions. This variant is a gross deletion of the genomic region encompassing exon(s) 1-2 of the ITGAM gene, which includes the initiator codon. This deletion extends beyond the assayed region for this gene and therefore may encompass additional genes. It is expected to result in an absent or disrupted protein product. However, the current clinical and genetic evidence is not sufficient to establish whether loss-of-function variants in ITGAM cause disease.

NC_000016.9:g.(?_31271386)_(31273138_?)del

Gene: ITGAM (integrin subunit alpha M; plus strand). Cytogenetic location: 16p11.2.
Variant type: Deletion.
Identifiers: ClinVar variation 3243586 (VCV003243586.1).